The following is an entry in ClinVar:

NC_000007.13:g.(?_100797796)_(100797818_?)del

Gene: AP1S1 (adaptor related protein complex 1 subunit sigma 1; plus strand). Cytogenetic location: 7q22.1.
Variant type: Deletion.
Identifiers: ClinVar variation 3245870 (VCV003245870.1).

ClinVar aggregate classification (germline): Pathogenic (1 of 4 stars; one submission).

Submission:

Labcorp Genetics (formerly Invitae), Labcorp
Classification: Pathogenic. Last evaluated: 2023-10-17. Review status: criteria provided, single submitter. Criteria: Invitae Variant Classification Sherloc (09022015). Collection method: clinical testing. Allele origin: unknown.
Comment: This variant is a gross deletion of the genomic region encompassing exon(s) 1 of the AP1S1 gene, which includes the initiator codon. This deletion extends beyond the assayed region for this gene and therefore may encompass additional genes. It is expected to result in an absent or disrupted protein product. Loss-of-function variants in AP1S1 are known to be pathogenic (PMID: 19057675, 23423674). This variant has not been reported in the literature in individuals affected with AP1S1-related conditions. For these reasons, this variant has been classified as Pathogenic.

Literature cited by the submitters: PubMed 19057675; PubMed 23423674.